The following is an entry in ClinVar:

NM_003482.4(KMT2D):c.11155A>G (p.Arg3719Gly)

Gene: KMT2D (lysine methyltransferase 2D; minus strand). Cytogenetic location: 12q13.12.
Variant type: single nucleotide variant.
Coding change: c.11155A>G on transcript NM_003482.4 (MANE Select); coding-DNA position 11155, A replaced by G.
Protein change: p.Arg3719Gly; replaces arginine 3719 with glycine.
Molecular consequence: missense variant.
Genome position (GRCh38, 1-based): chr12:49,033,550, T>C on the plus strand (A>G on the coding strand, the complement: KMT2D is on the minus strand). VCF-style: chr12-49033550-T-C. GRCh37 (hg19) VCF-style: chr12-49427333-T-C.
Other names: short protein forms R3719G.
Identifiers: ClinVar variation 4774301 (VCV004774301.1).

ClinVar aggregate classification (germline): Uncertain significance (1 of 4 stars; one submission).

Conditions:
Kabuki syndrome. Also called: NIIKAWA-KUROKI SYNDROME; Kabuki make-up syndrome. Identifiers: Orphanet 2322, MedGen C0796004, MONDO:0016512.

Submission:

Labcorp Genetics (formerly Invitae), Labcorp
Classification: Uncertain significance for Kabuki syndrome. Last evaluated: 2025-10-03. Review status: criteria provided, single submitter. Criteria: Invitae Variant Classification Sherloc (09022015). Collection method: clinical testing. Allele origin: germline.
Comment: This sequence change replaces arginine, which is basic and polar, with glycine, which is neutral and non-polar, at codon 3719 of the KMT2D protein (p.Arg3719Gly). This variant is not present in population databases (gnomAD no frequency). This variant has not been reported in the literature in individuals affected with KMT2D-related conditions. Invitae Evidence Modeling of protein sequence and biophysical properties (such as structural, functional, and spatial information, amino acid conservation, physicochemical variation, residue mobility, and thermodynamic stability) indicates that this missense variant is not expected to disrupt KMT2D protein function with a negative predictive value of 95%. In summary, the available evidence is currently insufficient to determine the role of this variant in disease. Therefore, it has been classified as a Variant of Uncertain Significance.